The following is an entry in ClinVar:

ClinVar aggregate classification (germline): Uncertain significance (1 of 4 stars; one submission).

Conditions:
Dyskeratosis congenita. Identifiers: Orphanet 1775, MedGen C0265965, MONDO:0015780.

Allele frequency attached by ClinVar (database versions not stated): TOPMed below 0.00001; gnomAD 0.00001.
gnomAD v4.1: 1 of 1,613,600 alleles (0.000062%); highest among the groups gnomAD compares: Non-Finnish European, 0.000085%; no homozygotes.

Submission:

Labcorp Genetics (formerly Invitae), Labcorp
Classification: Uncertain significance for Dyskeratosis congenita. Last evaluated: 2022-09-14. Review status: criteria provided, single submitter. Criteria: Invitae Variant Classification Sherloc (09022015). Collection method: clinical testing. Allele origin: germline.
Comment: This sequence change replaces glutamine, which is neutral and polar, with histidine, which is basic and polar, at codon 111 of the TINF2 protein (p.Gln111His). This variant is not present in population databases (gnomAD no frequency). This variant has not been reported in the literature in individuals affected with TINF2-related conditions. Algorithms developed to predict the effect of missense changes on protein structure and function output the following: SIFT: "Tolerated"; PolyPhen-2: "Benign"; Align-GVGD: "Class C0". The histidine amino acid residue is found in multiple mammalian species, which suggests that this missense change does not adversely affect protein function. In summary, the available evidence is currently insufficient to determine the role of this variant in disease. Therefore, it has been classified as a Variant of Uncertain Significance.

NM_001099274.3(TINF2):c.333G>T (p.Gln111His)

Gene: TINF2 (TERF1 interacting nuclear factor 2; minus strand). Cytogenetic location: 14q12.
Variant type: single nucleotide variant.
Coding change: c.333G>T on transcript NM_001099274.3 (MANE Select); coding-DNA position 333, G replaced by T.
Protein change: p.Gln111His; replaces glutamine 111 with histidine.
Molecular consequence: missense variant.
Genome position (GRCh38, 1-based): chr14:24,241,741, C>A on the plus strand (G>T on the coding strand, the complement: TINF2 is on the minus strand). VCF-style: chr14-24241741-C-A. GRCh37 (hg19) VCF-style: chr14-24710947-C-A.
Other names: c.228G>T, p.Gln76His (NM_001363668.2); c.333G>T, p.Gln111His (NM_012461.3); short protein forms Q76H, Q111H.
Identifiers: ClinVar variation 2195892 (VCV002195892.4), dbSNP rs1469930490, ClinGen allele CA389233245.